The following is an entry in ClinVar:

NM_001184.4(ATR):c.1165G>A (p.Ala389Thr)

Gene: ATR (ATR checkpoint kinase; minus strand). Cytogenetic location: 3q23.
Variant type: single nucleotide variant.
Coding change: c.1165G>A on transcript NM_001184.4 (MANE Select); coding-DNA position 1165, G replaced by A.
Protein change: p.Ala389Thr; replaces alanine 389 with threonine.
Molecular consequence: missense variant.
Genome position (GRCh38, 1-based): chr3:142,562,237, C>T on the plus strand (G>A on the coding strand, the complement: ATR is on the minus strand). VCF-style: chr3-142562237-C-T. GRCh37 (hg19) VCF-style: chr3-142281079-C-T.
Other names: c.1165G>A, p.Ala389Thr (NM_001354579.2); short protein forms A389T.
Identifiers: ClinVar variation 1422043 (VCV001422043.8), dbSNP rs771295593, ClinGen allele CA2650672.

ClinVar aggregate classification (germline): Uncertain significance. Review status: criteria provided, multiple submitters, no conflicts (2 of 4 stars). 4 submissions from 3 submitters: Uncertain significance (4). Last evaluated 2023-09-04.

Conditions:
Seckel syndrome 1 (SCKL1). Also called: MICROCEPHALIC PRIMORDIAL DWARFISM I. Identifiers: Orphanet 808, MedGen C4551474, MONDO:0008869, OMIM 210600.
Familial cutaneous telangiectasia and oropharyngeal predisposition cancer syndrome. Identifiers: Orphanet 313846, MedGen C3281203, MONDO:0013806, OMIM 614564.
Inborn genetic diseases. Identifiers: MedGen C0950123, MeSH D030342.

Allele frequency attached by ClinVar (database versions not stated): gnomAD exomes below 0.00001 and 0.00001; TOPMed below 0.00001; ExAC 0.00001; gnomAD 0.00001.
gnomAD v4.1: 2 of 1,613,894 alleles (0.00012%); highest among the groups gnomAD compares: African/African-American, 0.0013%; no homozygotes.

Submissions (4):

Ambry Genetics
Classification: Uncertain significance for Inborn genetic diseases. Last evaluated: 2023-09-04. Review status: criteria provided, single submitter. Criteria: Ambry Variant Classification Scheme 2023. Collection method: clinical testing. Allele origin: germline.
Comment: The p.A389T variant (also known as c.1165G>A), located in coding exon 4 of the ATR gene, results from a G to A substitution at nucleotide position 1165. The alanine at codon 389 is replaced by threonine, an amino acid with similar properties. This amino acid position is conserved. In addition, this alteration is predicted to be tolerated by in silico analysis. Since supporting evidence is limited at this time, the clinical significance of this alteration remains unclear.

Genome-Nilou Lab
Classification: Uncertain significance for Seckel syndrome 1. Last evaluated: 2023-02-08. Review status: criteria provided, single submitter. Criteria: ACMG Guidelines, 2015. Collection method: clinical testing. Allele origin: germline.

Genome-Nilou Lab
Classification: Uncertain significance for Familial cutaneous telangiectasia and oropharyngeal predisposition cancer syndrome. Last evaluated: 2023-02-08. Review status: criteria provided, single submitter. Criteria: ACMG Guidelines, 2015. Collection method: clinical testing. Allele origin: germline.

Labcorp Genetics (formerly Invitae), Labcorp
Classification: Uncertain significance. Last evaluated: 2021-09-24. Review status: criteria provided, single submitter. Criteria: Invitae Variant Classification Sherloc (09022015). Collection method: clinical testing. Allele origin: germline.
Comment: This sequence change replaces alanine with threonine at codon 389 of the ATR protein (p.Ala389Thr). The alanine residue is weakly conserved and there is a small physicochemical difference between alanine and threonine. This variant is present in population databases (rs771295593, ExAC 0.002%). This variant has not been reported in the literature in individuals affected with ATR-related conditions. Algorithms developed to predict the effect of missense changes on protein structure and function output the following: SIFT: "Tolerated"; PolyPhen-2: "Benign"; Align-GVGD: "Class C0". The threonine amino acid residue is found in multiple mammalian species, which suggests that this missense change does not adversely affect protein function. In summary, the available evidence is currently insufficient to determine the role of this variant in disease. Therefore, it has been classified as a Variant of Uncertain Significance.